The following is an entry in ClinVar:

NM_001868.4(CPA1):c.524A>T (p.Asp175Val)

Gene: CPA1 (carboxypeptidase A1; plus strand). Cytogenetic location: 7q32.2.
Variant type: single nucleotide variant.
Coding change: c.524A>T on transcript NM_001868.4 (MANE Select); coding-DNA position 524, A replaced by T.
Protein change: p.Asp175Val; replaces aspartic acid 175 with valine.
Molecular consequence: missense variant.
Genome position (GRCh38, 1-based): chr7:130,383,431, A>T. VCF-style: chr7-130383431-A-T. GRCh37 (hg19) VCF-style: chr7-130023272-A-T.
Other names: short protein forms D175V.
Identifiers: ClinVar variation 4869372 (VCV004869372.1).

ClinVar aggregate classification (germline): Uncertain significance (1 of 4 stars; one submission).

Conditions:
Hereditary pancreatitis (PCTT). Also called: Hereditary chronic pancreatitis; PRSS1-Related Hereditary Pancreatitis. Identifiers: Orphanet 676, MedGen C0238339, MONDO:0008185, OMIM 167800.

Submission:

Ambry Genetics
Classification: Uncertain significance for Hereditary pancreatitis. Last evaluated: 2026-05-14. Review status: criteria provided, single submitter. Criteria: Ambry Variant Classification Scheme 2023. Collection method: clinical testing. Allele origin: germline.
Comment: The p.D175V variant (also known as c.524A>T), located in coding exon 5 of the CPA1 gene, results from an A to T substitution at nucleotide position 524. The aspartic acid at codon 175 is replaced by valine, an amino acid with highly dissimilar properties. This amino acid position is conserved. In addition, the in silico prediction for this alteration is inconclusive. Based on the available evidence, the clinical significance of this variant remains unclear.